The following is an entry in ClinVar:

NM_201384.3(PLEC):c.11350C>T (p.Gln3784Ter)

Gene: PLEC (plectin; minus strand). Cytogenetic location: 8q24.3.
Variant type: single nucleotide variant.
Coding change: c.11350C>T on transcript NM_201384.3 (MANE Select); coding-DNA position 11350, C replaced by T.
Protein change: p.Gln3784Ter; replaces glutamine 3784 with a stop codon.
Molecular consequence: nonsense.
Genome position (GRCh38, 1-based): chr8:143,918,471, G>A on the plus strand (C>T on the coding strand, the complement: PLEC is on the minus strand). VCF-style: chr8-143918471-G-A. GRCh37 (hg19) VCF-style: chr8-144992639-G-A.
Other names: c.11431C>T, p.Gln3811Ter (NM_000445.5); c.11308C>T, p.Gln3770Ter (NM_201378.4); c.11284C>T, p.Gln3762Ter (NM_201379.3); c.11761C>T, p.Gln3921Ter (NM_201380.4); c.11254C>T, p.Gln3752Ter (NM_201381.3); c.11350C>T, p.Gln3784Ter (NM_201382.4); c.11362C>T, p.Gln3788Ter (NM_201383.3); short protein forms Q3752*, Q3762*, Q3788*, Q3811*, Q3770*, Q3921*, Q3784*.
Identifiers: ClinVar variation 538961 (VCV000538961.2), dbSNP rs1554675388, ClinGen allele CA372491241.
Genomic context (GRCh38, chr8:143,918,471, plus strand): 5'-GCTGGGCATCCAGCAGCCGCAGGGCCTCCTCAGTAGGGATCAGCTCCTTCTTCATGGCCT[G>A]GAAGAGCGAGATGGTCTGCTCGGTGTAGGGGTCACGGTAGCCGGTGACCGCCCGCTCAGC-3'

ClinVar aggregate classification (germline): Likely pathogenic (1 of 4 stars; one submission).

Conditions:
Epidermolysis bullosa simplex with nail dystrophy (EBS5D). Identifiers: MedGen C4225309, MONDO:0014661, OMIM 616487.
Epidermolysis bullosa simplex 5B, with muscular dystrophy (EBS5B). Also called: EPIDERMOLYSIS BULLOSA SIMPLEX AND LIMB-GIRDLE MUSCULAR DYSTROPHY; Epidermolysis bullosa simplex with muscular dystrophy. Identifiers: Orphanet 257, MedGen C2931072, MONDO:0009181, OMIM 226670.
Epidermolysis bullosa simplex, Ogna type (EBS5A). Also called: Pidermolysis bullosa simplex 5A, Ogna type; EPIDERMOLYSIS BULLOSA SIMPLEX 5A, OGNA TYPE. Identifiers: Orphanet 79401, MedGen C0432317, MONDO:0007555, OMIM 131950.
Autosomal recessive limb-girdle muscular dystrophy type 2Q (LGMDR17). Also called: MUSCULAR DYSTROPHY, LIMB-GIRDLE, AUTOSOMAL RECESSIVE 17. Identifiers: Orphanet 254361, MedGen C3150989, MONDO:0013390, OMIM 613723.
Epidermolysis bullosa simplex 5C, with pyloric atresia (EBS5C). Also called: PLEC-Related Epidermolysis Bullosa with Pyloric Atresia; Epidermolysis bullosa simplex with pyloric atresia; PLEC1-Related Epidermolysis Bullosa with Pyloric Atresia. Identifiers: Orphanet 158684, MedGen C2677349, MONDO:0012807, OMIM 612138.

Submission:

Labcorp Genetics (formerly Invitae), Labcorp
Classification: Likely pathogenic for Autosomal recessive limb-girdle muscular dystrophy type 2Q; Epidermolysis bullosa simplex, Ogna type; Epidermolysis bullosa simplex with nail dystrophy; Epidermolysis bullosa simplex 5C, with pyloric atresia; Epidermolysis bullosa simplex 5B, with muscular dystrophy. Last evaluated: 2026-01-22. Review status: criteria provided, single submitter. Criteria: Invitae Variant Classification Sherloc (09022015). Collection method: clinical testing. Allele origin: germline.
Comment: This sequence change creates a premature translational stop signal (p.Gln3811*) in the PLEC gene. While this is not anticipated to result in nonsense mediated decay, it is expected to disrupt the last 764 amino acid(s) of the PLEC protein. This variant is not present in population databases (gnomAD no frequency). This variant has not been reported in the literature in individuals affected with PLEC-related conditions. ClinVar contains an entry for this variant (Variation ID: 538961). This variant disrupts a region of the PLEC protein in which other variant(s) (p.Lys4460*) have been determined to be pathogenic (PMID: 10652002). This suggests that this is a clinically significant region of the protein, and that variants that disrupt it are likely to be disease-causing. In summary, the currently available evidence indicates that the variant is pathogenic, but additional data are needed to prove that conclusively. Therefore, this variant has been classified as Likely Pathogenic.

Literature cited by the submitters: PubMed 10652002.